The following is an entry in ClinVar:

NM_021614.4(KCNN2):c.1221G>C (p.Leu407Phe)

Gene: KCNN2 (potassium calcium-activated channel subfamily N member 2; plus strand). Cytogenetic location: 5q22.3.
Variant type: single nucleotide variant.
Coding change: c.1221G>C on transcript NM_021614.4 (MANE Select); coding-DNA position 1221, G replaced by C.
Protein change: p.Leu407Phe; replaces leucine 407 with phenylalanine.
Molecular consequence: missense variant.
Genome position (GRCh38, 1-based): chr5:114,404,440, G>C. VCF-style: chr5-114404440-G-C. GRCh37 (hg19) VCF-style: chr5-113740137-G-C.
Other names: c.1419G>C, p.Leu473Phe (NM_001372233.1); short protein forms L407F, L473F.
Identifiers: ClinVar variation 5037547 (VCV005037547.1).

ClinVar aggregate classification (germline): Uncertain significance (1 of 4 stars; one submission).

Submission:

GeneDx
Classification: Uncertain significance. Last evaluated: 2026-04-21. Review status: criteria provided, single submitter. Criteria: GeneDx Variant Classification Process June 2021. Collection method: clinical testing. Allele origin: germline.
Comment: Not observed at significant frequency in large population cohorts (gnomAD); In silico analysis supports that this missense variant has a deleterious effect on protein structure/function; Has not been previously published as pathogenic or benign to our knowledge